The following is an entry in ClinVar:

NM_004364.5(CEBPA):c.160G>C (p.Gly54Arg)

Gene: CEBPA (CCAAT enhancer binding protein alpha; minus strand). Cytogenetic location: 19q13.11.
Variant type: single nucleotide variant.
Coding change: c.160G>C on transcript NM_004364.5 (MANE Select); coding-DNA position 160, G replaced by C.
Protein change: p.Gly54Arg; replaces glycine 54 with arginine.
Molecular consequence: missense variant. On other transcripts: 5 prime UTR variant (1).
Genome position (GRCh38, 1-based): chr19:33,302,255, C>G on the plus strand (G>C on the coding strand, the complement: CEBPA is on the minus strand). VCF-style: chr19-33302255-C-G. GRCh37 (hg19) VCF-style: chr19-33793161-C-G.
Other names: c.-198G>C (NM_001285829.2); c.265G>C, p.Gly89Arg (NM_001287424.2); c.118G>C, p.Gly40Arg (NM_001287435.2); short protein forms G40R, G54R, G89R.
Identifiers: ClinVar variation 2171442 (VCV002171442.5), dbSNP rs777090929, ClinGen allele CA405275557.

ClinVar aggregate classification (germline): Uncertain significance. Review status: criteria provided, multiple submitters, no conflicts (2 of 4 stars). 2 submissions from 2 submitters: Uncertain significance (2). Last evaluated 2024-05-16.

Conditions:
Acute myeloid leukemia (AML). Also called: Acute myeloid leukemia, adult; AML adult; Acute non-lymphocytic leukemia; Acute granulocytic leukemia; Leukemia, acute myeloid, somatic; Leukemia, acute myelogenous, somatic. Identifiers: Orphanet 519, MedGen C0023467, MeSH D015470, MONDO:0018874, OMIM 601626, HP:0004808. Disease mechanism: Constitutively activated FLT3.

Allele frequency attached by ClinVar (database versions not stated): gnomAD 0.00001.

Submissions (2):

GeneDx
Classification: Uncertain significance. Last evaluated: 2024-05-16. Review status: criteria provided, single submitter. Criteria: GeneDx Variant Classification Process June 2021. Collection method: clinical testing. Allele origin: germline. Affected: yes.
Comment: Not observed at significant frequency in large population cohorts (gnomAD); In silico analysis indicates that this missense variant does not alter protein structure/function; Has not been previously published as pathogenic or benign to our knowledge

Labcorp Genetics (formerly Invitae), Labcorp
Classification: Uncertain significance for Acute myeloid leukemia. Last evaluated: 2022-04-05. Review status: criteria provided, single submitter. Criteria: Invitae Variant Classification Sherloc (09022015). Collection method: clinical testing. Allele origin: germline.
Comment: This sequence change replaces glycine, which is neutral and non-polar, with arginine, which is basic and polar, at codon 54 of the CEBPA protein (p.Gly54Arg). This variant is not present in population databases (gnomAD no frequency). This variant has not been reported in the literature in individuals affected with CEBPA-related conditions. Algorithms developed to predict the effect of missense changes on protein structure and function (SIFT, PolyPhen-2, Align-GVGD) all suggest that this variant is likely to be tolerated. In summary, the available evidence is currently insufficient to determine the role of this variant in disease. Therefore, it has been classified as a Variant of Uncertain Significance.